The following is an entry in ClinVar:

ClinVar aggregate classification (germline): Uncertain significance (1 of 4 stars; one submission).

Conditions:
Telangiectasia, hereditary hemorrhagic, type 2 (HHT2). Also called: ACVRL1-Related Hereditary Hemorrhagic Telangiectasia; Telangiectasia, hereditary hemorrhagic, type II. Identifiers: Orphanet 774, MedGen C1838163, MONDO:0010880, OMIM 600376. Disease mechanism: loss of function.

Submission:

Labcorp Genetics (formerly Invitae), Labcorp
Classification: Uncertain significance for Telangiectasia, hereditary hemorrhagic, type 2. Last evaluated: 2025-10-01. Review status: criteria provided, single submitter. Criteria: Invitae Variant Classification Sherloc (09022015). Collection method: clinical testing. Allele origin: germline.
Comment: This sequence change replaces histidine, which is basic and polar, with arginine, which is basic and polar, at codon 253 of the ACVRL1 protein (p.His253Arg). This variant is not present in population databases (gnomAD no frequency). This missense change has been observed in individual(s) with clinical features of hereditary hemorrhagic telangiectasia (HHT) (internal data). ClinVar contains an entry for this variant (Variation ID: 1513645). Invitae Evidence Modeling of protein sequence and biophysical properties (such as structural, functional, and spatial information, amino acid conservation, physicochemical variation, residue mobility, and thermodynamic stability) indicates that this missense variant is expected to disrupt ACVRL1 protein function with a positive predictive value of 95%. In summary, the available evidence is currently insufficient to determine the role of this variant in disease. Therefore, it has been classified as a Variant of Uncertain Significance.

NM_000020.3(ACVRL1):c.758A>G (p.His253Arg)

Gene: ACVRL1 (activin A receptor like type 1; plus strand). Cytogenetic location: 12q13.13.
Variant type: single nucleotide variant.
Coding change: c.758A>G on transcript NM_000020.3 (MANE Select); coding-DNA position 758, A replaced by G.
Protein change: p.His253Arg; replaces histidine 253 with arginine.
Molecular consequence: missense variant.
Genome position (GRCh38, 1-based): chr12:51,914,571, A>G. VCF-style: chr12-51914571-A-G. GRCh37 (hg19) VCF-style: chr12-52308355-A-G.
Other names: c.758A>G, p.His253Arg (NM_001077401.2); short protein forms H253R.
Identifiers: ClinVar variation 1513645 (VCV001513645.8), dbSNP rs2139070976, ClinGen allele CA384900235.